The following is an entry in ClinVar:

NM_000051.4(ATM):c.6476G>A (p.Cys2159Tyr)

Genes: ATM (ATM serine/threonine kinase; plus strand), C11orf65 (chromosome 11 open reading frame 65; minus strand). Cytogenetic location: 11q22.3.
Variant type: single nucleotide variant.
Coding change: c.6476G>A on transcript NM_000051.4 (MANE Select); coding-DNA position 6476, G replaced by A.
Protein change: p.Cys2159Tyr; replaces cysteine 2159 with tyrosine.
Molecular consequence: missense variant. On other transcripts: intron variant (2).
Genome position (GRCh38, 1-based): chr11:108,321,324, G>A. VCF-style: chr11-108321324-G-A. GRCh37 (hg19) VCF-style: chr11-108192051-G-A.
Other names: c.6476G>A, p.Cys2159Tyr (NM_001351834.2); c.641-12253C>T (NM_001330368.2); c.*39-12253C>T (NM_001351110.2); short protein forms C2159Y.
Identifiers: ClinVar variation 826428 (VCV000826428.7), dbSNP rs1591107053, ClinGen allele CA382553934.

ClinVar aggregate classification (germline): Uncertain significance (1 of 4 stars; one submission).

Conditions:
Hereditary cancer-predisposing syndrome. Also called: Tumor predisposition; Neoplastic Syndromes, Hereditary; Hereditary Cancer Syndrome; Hereditary neoplastic syndrome. Identifiers: Orphanet 140162, MedGen C0027672, MeSH D009386, MONDO:0015356.

Allele frequency attached by ClinVar (database versions not stated): gnomAD exomes below 0.00001.
gnomAD v4.1: 5 of 1,614,148 alleles (0.00031%); highest among the groups gnomAD compares: African/African-American, 0.0013%; no homozygotes.

Submission:

Ambry Genetics
Classification: Uncertain significance for Hereditary cancer-predisposing syndrome. Last evaluated: 2025-08-25. Review status: criteria provided, single submitter. Criteria: Ambry Variant Classification Scheme 2023. Collection method: clinical testing. Allele origin: germline.
Comment: The p.C2159Y variant (also known as c.6476G>A), located in coding exon 44 of the ATM gene, results from a G to A substitution at nucleotide position 6476. The cysteine at codon 2159 is replaced by tyrosine, an amino acid with highly dissimilar properties. This amino acid position is well conserved in available vertebrate species. In addition, the in silico prediction for this alteration is inconclusive. Since supporting evidence is limited at this time, the clinical significance of this alteration remains unclear.